The following is an entry in ClinVar:

ClinVar aggregate classification (germline): Conflicting classifications of pathogenicity. Review status: criteria provided, conflicting classifications (1 of 4 stars). 2 submissions from 2 submitters: Uncertain significance (1); Likely benign (1). Last evaluated 2025-12-15.

Submissions (2):

Labcorp Genetics (formerly Invitae), Labcorp
Classification: Likely benign. Last evaluated: 2025-12-15. Review status: criteria provided, single submitter. Criteria: Invitae Variant Classification Sherloc (09022015). Collection method: clinical testing. Allele origin: germline.

GeneDx
Classification: Uncertain significance. Last evaluated: 2020-01-02. Review status: criteria provided, single submitter. Criteria: GeneDx Variant Classification Process June 2021. Collection method: clinical testing. Allele origin: germline. Affected: yes.
Comment: In-frame deletion of 3 amino acids in a non-repeat region; In silico analysis, which includes protein predictors and evolutionary conservation, supports a deleterious effect; Has not been previously published as pathogenic or benign to our knowledge

NM_005515.4(MNX1):c.576GCACCCCGC[1] (p.193HPA[1])

Gene: MNX1 (motor neuron and pancreas homeobox 1; minus strand). Cytogenetic location: 7q36.3.
Variant type: Microsatellite.
Coding change: c.576GCACCCCGC[1] on transcript NM_005515.4 (MANE Select); one copy of the 9-base unit GCACCCCGC starting at c.576; the reference has two copies in a row; one copy, 9 bases deleted.
Protein change: p.193HPA[1].
Molecular consequence: inframe deletion.
Genome position (GRCh38, 1-based): chr7:157,009,758-157,009,766, GCGGGGTGC deleted on the plus strand (GCACCCCGC on the coding strand, the reverse complement: MNX1 is on the minus strand); deleting any 9 consecutive bases within chr7:157,009,758-157,009,778 gives the same sequence; the position shown is the placement nearest the transcript's 3' end. VCF-style (leftmost placement, unchanged base first): chr7-157009757-GGCGGGGTGC-G. GRCh37 (hg19) VCF-style: chr7-156802451-GGCGGGGTGC-G.
Identifiers: ClinVar variation 1311994 (VCV001311994.6), dbSNP rs528990697, ClinGen allele CA4589267.
Genomic context (GRCh38, chr7:157,009,757, plus strand): 5'-GGTGGACGCGCGCAGCCACTGGTCCAGCTGGAAGGTGCCGGCGCCCAGCTTGATGGGGTC[GGCGGGGTGC>G]GCGGGGTGCGCGCCTTGCACCTGCGGGTACGAGTAGGAGAGCGCCGGGTGCTGGCCCGCC-3'